The following is an entry in ClinVar:

ClinVar aggregate classification (germline): Pathogenic (1 of 4 stars; one submission).

Conditions:
Lynch syndrome 4 (LYNCH4). Also called: Colorectal cancer, hereditary nonpolyposis, type 4; Hereditary non-polyposis colorectal cancer, type 4. Identifiers: Orphanet 144, MedGen C1838333, MONDO:0013699, OMIM 614337. Disease mechanism: loss of function.

Submission:

Myriad Genetics, Inc.
Classification: Pathogenic for Lynch syndrome 4. Last evaluated: 2025-07-02. Review status: criteria provided, single submitter. Criteria: Myriad Autosomal Dominant, Autosomal Recessive and X-Linked Classification Criteria (2023). Collection method: clinical testing. Allele origin: unknown.
Comment: This variant is considered pathogenic. This variant creates a frameshift predicted to result in premature protein truncation.

NM_000535.7(PMS2):c.1333_1355dup (p.Gly452_Met453insAlaLeuTer)

Gene: PMS2 (PMS1 homolog 2, mismatch repair system component; minus strand). Cytogenetic location: 7p22.1.
Variant type: Duplication.
Coding change: c.1333_1355dup on transcript NM_000535.7 (MANE Select); coding-DNA positions 1333 to 1355, 23 bases duplicated (AGCCCTCTAGGACAGAAAAGGGG).
Protein change: p.Gly452_Met453insAlaLeuTer.
Molecular consequence: nonsense, inframe insertion. On other transcripts: non-coding transcript variant (1), intron variant (1).
Genome position (GRCh38, 1-based): chr7:5,987,410-5,987,432, CCCCTTTTCTGTCCTAGAGGGCT duplicated on the plus strand (AGCCCTCTAGGACAGAAAAGGGG on the coding strand, the reverse complement: PMS2 is on the minus strand); duplicating any 23 consecutive bases within chr7:5,987,410-5,987,434 gives the same sequence; the c. name uses the placement nearest the transcript's 3' end. VCF-style (leftmost placement, unchanged base first): chr7-5987409-A-ACCCCTTTTCTGTCCTAGAGGGCT. GRCh37 (hg19) VCF-style: chr7-6027040-A-ACCCCTTTTCTGTCCTAGAGGGCT.
Other names: c.928_950dup, p.Gly317_Met318insAlaLeuTer (NM_001322003.2, NM_001322004.2, NM_001322005.2 and 16 more transcripts); c.1177_1199dup, p.Gly400_Met401insAlaLeuTer (NM_001322006.2, NM_001406870.1); c.1015_1037dup, p.Gly346_Met347insAlaLeuTer (NM_001322007.2, NM_001322008.2, NM_001406876.1 and 2 more transcripts); c.772_794dup, p.Gly265_Met266insAlaLeuTer (NM_001322010.2, NM_001406906.1, NM_001406907.1); c.400_422dup, p.Gly141_Met142insAlaLeuTer (NM_001322011.2, NM_001322012.2); c.760_782dup, p.Gly261_Met262insAlaLeuTer (NM_001322013.2, NM_001406909.1); c.1333_1355dup, p.Gly452_Met453insAlaLeuTer (NM_001322014.2, NM_001406871.1, NM_001406872.1); c.1024_1046dup, p.Gly349_Met350insAlaLeuTer (NM_001322015.2, NM_001406875.1, NM_001406877.1 and 5 more transcripts); and 13 more.
Identifiers: ClinVar variation 4294222 (VCV004294222.1).